The following is an entry in ClinVar:

NM_003587.5(DHX16):c.1539T>G (p.Ser513Arg)

Gene: DHX16 (DEAH-box helicase 16; minus strand). Cytogenetic location: 6p21.33.
Variant type: single nucleotide variant.
Coding change: c.1539T>G on transcript NM_003587.5 (MANE Select); coding-DNA position 1539, T replaced by G.
Protein change: p.Ser513Arg; replaces serine 513 with arginine.
Molecular consequence: missense variant. On other transcripts: 5 prime UTR variant (1).
Genome position (GRCh38, 1-based): chr6:30,662,632, A>C on the plus strand (T>G on the coding strand, the complement: DHX16 is on the minus strand). VCF-style: chr6-30662632-A-C. GRCh37 (hg19) VCF-style: chr6-30630409-A-C.
Other names: c.1359T>G, p.Ser453Arg (NM_001164239.2); c.-581T>G (NM_001363515.2); short protein forms S513R, S453R.
Identifiers: ClinVar variation 3393886 (VCV003393886.1).

ClinVar aggregate classification (germline): Uncertain significance (1 of 4 stars; one submission).

gnomAD v4.1: 1 of 1,612,376 alleles (0.000062%); highest among the groups gnomAD compares: Non-Finnish European, 0.000085%; no homozygotes.

Submission:

GeneDx
Classification: Uncertain significance. Last evaluated: 2024-07-03. Review status: criteria provided, single submitter. Criteria: GeneDx Variant Classification Process June 2021. Collection method: clinical testing. Allele origin: germline. Affected: yes.
Comment: Not observed at significant frequency in large population cohorts (gnomAD); In silico analysis supports that this missense variant has a deleterious effect on protein structure/function; In silico analysis supports that this missense variant has a deleterious effect on splicing; Has not been previously published as pathogenic or benign to our knowledge